The following is an entry in ClinVar:

NM_004431.5(EPHA2):c.2743T>C (p.Ser915Pro)

Gene: EPHA2 (EPH receptor A2; minus strand). Cytogenetic location: 1p36.13.
Variant type: single nucleotide variant.
Coding change: c.2743T>C on transcript NM_004431.5 (MANE Select); coding-DNA position 2743, T replaced by C.
Protein change: p.Ser915Pro; replaces serine 915 with proline.
Molecular consequence: missense variant.
Genome position (GRCh38, 1-based): chr1:16,129,516, A>G on the plus strand (T>C on the coding strand, the complement: EPHA2 is on the minus strand). VCF-style: chr1-16129516-A-G. GRCh37 (hg19) VCF-style: chr1-16456011-A-G.
Other names: c.2581T>C, p.Ser861Pro (NM_001329090.2); short protein forms S915P, S861P.
Identifiers: ClinVar variation 1442086 (VCV001442086.6), dbSNP rs775490586, ClinGen allele CA338615904.
Genomic context (GRCh38, chr1:16,129,516, plus strand): 5'-TCTCGATGGCAGTGTAGCCGGCCGCCATGAAGTGCTCCGTATACTGCTGCATCTTGATGG[A>G]CTCCAGCCACTCGGACACCGTGCGGAAGGGCACCCCCTCCGAGCCGCTCGTGCTGGGGAG-3'
Protein context (NP_004422.2, residues 905-925): PFRTVSEWLE[Ser915Pro]IKMQQYTEHF

ClinVar aggregate classification (germline): Uncertain significance (1 of 4 stars; one submission).

Conditions:
Cataract 6 multiple types. Also called: CATARACT 6, POSTERIOR POLAR; CATARACT 6, CONGENITAL TOTAL; CATARACT, AGE-RELATED CORTICAL, 2. Identifiers: Orphanet 91492, MedGen C1861825, MONDO:0007288, OMIM 116600.

Allele frequency attached by ClinVar (database versions not stated): gnomAD exomes below 0.00001.
gnomAD v4.1: 2 of 1,613,220 alleles (0.00012%); highest among the groups gnomAD compares: South Asian, 0.0011%; no homozygotes.

Submission:

Labcorp Genetics (formerly Invitae), Labcorp
Classification: Uncertain significance for Cataract 6 multiple types. Last evaluated: 2022-01-16. Review status: criteria provided, single submitter. Criteria: Invitae Variant Classification Sherloc (09022015). Collection method: clinical testing. Allele origin: germline.
Comment: This variant is not present in population databases (gnomAD no frequency). This sequence change replaces serine, which is neutral and polar, with proline, which is neutral and non-polar, at codon 915 of the EPHA2 protein (p.Ser915Pro). This variant has not been reported in the literature in individuals affected with EPHA2-related conditions. In summary, the available evidence is currently insufficient to determine the role of this variant in disease. Therefore, it has been classified as a Variant of Uncertain Significance. Advanced modeling of protein sequence and biophysical properties (such as structural, functional, and spatial information, amino acid conservation, physicochemical variation, residue mobility, and thermodynamic stability) performed at Invitae indicates that this missense variant is not expected to disrupt EPHA2 protein function.